The following is an entry in ClinVar:

ClinVar aggregate classification (germline): Pathogenic/Likely pathogenic. Review status: criteria provided, multiple submitters, no conflicts (2 of 4 stars). 4 submissions from 4 submitters: Pathogenic (2); Likely pathogenic (1). 1 of the submissions does not count toward it. Last evaluated 2023-12-21.

Conditions:
Inborn genetic diseases. Identifiers: MedGen C0950123, MeSH D030342.
Pyruvate dehydrogenase E1-alpha deficiency (PDHAD). Also called: ATAXIA, INTERMITTENT, WITH PYRUVATE DEHYDROGENASE DEFICIENCY; ATAXIA WITH LACTIC ACIDOSIS I; ATAXIA, INTERMITTENT, WITH ABNORMAL PYRUVATE METABOLISM; Ataxia, intermittent, with pyruvate dehydrogenase, or decarboxylase, deficiency. Identifiers: Orphanet 79243, MedGen C1839413, MONDO:0010717, OMIM 312170.
Neurodevelopmental delay. Identifiers: MedGen C4022738, HP:0012758.

Submissions (4):

GeneDx
Classification: Pathogenic. Last evaluated: 2023-12-21. Review status: criteria provided, single submitter. Criteria: GeneDx Variant Classification Process June 2021. Collection method: clinical testing. Allele origin: germline. Affected: yes.
Comment: Apparently de novo variant in two sisters with history of intellectual disability, epilepsy and quadriplegia, who demonstrated PDH deficiency in cultured fibroblasts in published literature (PMID: 10679936, 1301207); Not observed at significant frequency in large population cohorts (gnomAD); In silico analysis supports that this missense variant has a deleterious effect on protein structure/function; This variant is associated with the following publications: (PMID: 1301207, 36212160, 29970614, 10679936)

Ambry Genetics
Classification: Likely pathogenic for Inborn genetic diseases. Last evaluated: 2020-01-21. Review status: criteria provided, single submitter. Criteria: Ambry Variant Classification Scheme 2023. Collection method: clinical testing. Allele origin: germline.
Comment: The alteration results in an amino acid change:_x000D_ _x000D_ The c.499G>A (p.V167M) alteration is located in coding exon 5 of the PDHA1 gene. This alteration results from a G to A substitution at nucleotide position 499, causing the valine (V) at amino acid position 167 to be replaced by a methionine (M). The alteration is not observed in population databases: _x000D_ _x000D_ Based on data from the Genome Aggregation Database (gnomAD), the PDHA1 c.499G>A alteration was not observed, with coverage at this position. The alteration has been observed in affected individuals: _x000D_ _x000D_ This alteration was reported in two affected sisters with pyruvate dehydrogenase deficiency (Dahl, 1992). They had enzyme activity in fibroblasts at 1% and 7% of normal. The altered amino acid is conserved throughout evolution:_x000D_ _x000D_ The p.V167 amino acid is conserved in available vertebrate species. Functional analysis reveals a damaging effect of the amino acid alteration: _x000D_ _x000D_ In vitro functional analysis demonstrated that the p.V167M alteration had 2-4% of wild-type NADH activity. X ray crystallography found that this alteration results in displacement of the diphosphate tail of its coenzyme thiamine diphosphate and disordering of phosphorylation loops, resulting in loss of E1 catalytic efficiency (Whitley, 2018). The alteration is predicted deleterious by in silico modeling:_x000D_ _x000D_ The p.V167M alteration is predicted to be deleterious by in silico analysis. Based on the available evidence, this alteration is classified as likely pathogenic.

Centre de Biologie Pathologie Génétique, Centre Hospitalier Universitaire de Lille
Classification: Pathogenic for Neurodevelopmental delay. Review status: criteria provided, single submitter. Criteria: ACMG Guidelines, 2015. Collection method: clinical testing. Allele origin: de novo. Affected: yes.

PDHA1 Study Group, University Children’s Hospital, Paracelsus Medical University
Classification: Likely pathogenic for Pyruvate dehydrogenase E1-alpha deficiency. Last evaluated: 2024-10-15. Review status: no assertion criteria provided. Collection method: research. Allele origin: de novo. Affected: yes. Observed: 3 variant alleles. Not counted in ClinVar's aggregate classification.
Comment: The NM_000284.3:c.499G>A (p.Val167Met) substitution is a missense variant in PDHA1 gene. In total, 3 individuals were diagnosed with PDHA1-related Pyruvate dehydrogenase complex (PDHc) deficiency (MIM #312170). Among them, 1 case had confirmed de novo occurrence. The variant has been reported in 3 published cases (PMIDs: 8504306, 8352855). Last literature search: July 12, 2024. This variant is absent or extremely rare in population-based cohorts in the Genome Aggregation Database (gnomAD). Individuals harboring this variant presented with clinical features compatible with PDHA1-related PDHc deficiency. In summary, this variant meets criteria to be classified as likely pathogenic (LP) for PDHA1-related PDHc deficiency based on the ACMG/AMP criteria applied: PM1, PM2, PM7, PP3 (last assessment October 15, 2024).

Literature cited by the submitters: PubMed 1301207 (cited by Ambry Genetics); PubMed 29970614 (cited by Ambry Genetics); PubMed 8504306 (cited by PDHA1 Study Group, University Children’s Hospital, Paracelsus Medical University); PubMed 8352855 (cited by PDHA1 Study Group, University Children’s Hospital, Paracelsus Medical University); DOI 10.1093/brain/awaf430 (cited by PDHA1 Study Group, University Children’s Hospital, Paracelsus Medical University).

NM_000284.4(PDHA1):c.499G>A (p.Val167Met)

Gene: PDHA1 (pyruvate dehydrogenase E1 subunit alpha 1; plus strand). Cytogenetic location: Xp22.12.
Variant type: single nucleotide variant.
Coding change: c.499G>A on transcript NM_000284.4 (MANE Select); coding-DNA position 499, G replaced by A.
Protein change: p.Val167Met; replaces valine 167 with methionine.
Molecular consequence: missense variant.
Genome position (GRCh38, 1-based): chrX:19,353,162, G>A. VCF-style: chrX-19353162-G-A. GRCh37 (hg19) VCF-style: chrX-19371280-G-A.
Other names: c.613G>A, p.Val205Met (NM_001173454.2); c.520G>A, p.Val174Met (NM_001173455.2); c.499G>A, p.Val167Met (NM_001173456.2); short protein forms V167M, V174M, V205M.
Identifiers: ClinVar variation 985548 (VCV000985548.10), dbSNP rs2063174067, ClinGen allele CA412393429.